The following is an entry in ClinVar:

NC_012920.1(MT-ATP8):m.8519G>A

Gene: MT-ATP8 (mitochondrially encoded ATP synthase 8; plus strand).
Variant type: single nucleotide variant.
Genome position: chrM-8519-G-A.
Identifiers: ClinVar variation 235671 (VCV000235671.5), dbSNP rs878853091, ClinGen allele CA10581395.

ClinVar aggregate classification (germline): Benign/Likely benign. Review status: criteria provided, multiple submitters, no conflicts (2 of 4 stars). 3 submissions from 3 submitters: Benign (1); Likely benign (2). Last evaluated 2022-05-27.

Conditions:
Leigh syndrome (NULS). Also called: Leigh Syndrome (mtDNA deletion); Leigh's syndrome; LEIGH SYNDROME, NUCLEAR; Leigh Disease; Subacute necrotizing encephalopathy; Necrotizing encephalopathy infantile subacute of Leigh. Identifiers: Orphanet 506, MedGen C2931891, MONDO:0009723, OMIM 256000.

Submissions (3):

Clinical Genetics Laboratory, Skane University Hospital Lund
Classification: Likely benign. Last evaluated: 2022-05-27. Review status: criteria provided, single submitter. Criteria: ACMG Guidelines, 2015. Collection method: clinical testing. Allele origin: germline. Affected: yes.

Wong Mito Lab, Molecular and Human Genetics, Baylor College of Medicine
Classification: Benign for Leigh syndrome. Last evaluated: 2019-10-17. Review status: criteria provided, single submitter. Criteria: Modified ACMG Guidelines (Unpublished). Collection method: clinical testing. Allele origin: germline.
Comment: The NC_012920.1:m.8519G>A (YP_003024030.1:p.Glu52Lys) variant in MTATP8 gene is interpretated to be a Benign variant based on the modified ACMG guidelines (unpublished). This variant meets the following evidence codes: BS1, BS2

Center for Pediatric Genomic Medicine, Children's Mercy Hospital and Clinics
Classification: Likely benign. Last evaluated: 2015-10-08. Review status: criteria provided, single submitter. Criteria: ACMG Guidelines, 2015. Collection method: clinical testing. Allele origin: germline.
ClinVar note: Converted during submission from Likely Benign to Likely benign.

Literature cited by the submitters: PubMed 25941154 (cited by Wong Mito Lab, Molecular and Human Genetics, Baylor College of Medicine).